The following is an entry in ClinVar:

ClinVar aggregate classification (germline): Uncertain significance (1 of 4 stars; one submission).

Submission:

Labcorp Genetics (formerly Invitae), Labcorp
Classification: Uncertain significance. Last evaluated: 2025-06-29. Review status: criteria provided, single submitter. Criteria: Invitae Variant Classification Sherloc (09022015). Collection method: clinical testing. Allele origin: germline.
Comment: This sequence change replaces arginine, which is basic and polar, with glutamine, which is neutral and polar, at codon 676 of the BRD4 protein (p.Arg676Gln). This variant is present in population databases (rs772651117, gnomAD 0.007%). This variant has not been reported in the literature in individuals affected with BRD4-related conditions. Invitae Evidence Modeling of protein sequence and biophysical properties (such as structural, functional, and spatial information, amino acid conservation, physicochemical variation, residue mobility, and thermodynamic stability) has been performed for this missense variant. However, the output from this modeling did not meet the statistical confidence thresholds required to predict the impact of this variant on BRD4 protein function. In summary, the available evidence is currently insufficient to determine the role of this variant in disease. Therefore, it has been classified as a Variant of Uncertain Significance.

NM_001379291.1(BRD4):c.2027G>A (p.Arg676Gln)

Gene: BRD4 (bromodomain containing 4; minus strand). Cytogenetic location: 19p13.12.
Variant type: single nucleotide variant.
Coding change: c.2027G>A on transcript NM_001379291.1 (MANE Select); coding-DNA position 2027, G replaced by A.
Protein change: p.Arg676Gln; replaces arginine 676 with glutamine.
Molecular consequence: missense variant.
Genome position (GRCh38, 1-based): chr19:15,255,317, C>T on the plus strand (G>A on the coding strand, the complement: BRD4 is on the minus strand). VCF-style: chr19-15255317-C-T. GRCh37 (hg19) VCF-style: chr19-15366128-C-T.
Other names: c.2027G>A, p.Arg676Gln (NM_001330384.2, NM_001379292.1, NM_014299.3 and 1 more transcripts); short protein forms R676Q.
Identifiers: ClinVar variation 4770550 (VCV004770550.1).